The following is an entry in ClinVar:

ClinVar aggregate classification (germline): Conflicting classifications of pathogenicity. Review status: criteria provided, conflicting classifications (1 of 4 stars). 6 submissions from 6 submitters: Pathogenic (1); Uncertain significance (2); Likely benign (1). 2 of the submissions do not count toward it. Last evaluated 2025-11-11.

Conditions:
BRCA1-related disorder. Also called: BRCA1-related condition.
Hereditary cancer-predisposing syndrome. Also called: Hereditary Cancer Syndrome; Hereditary neoplastic syndrome; Neoplastic Syndromes, Hereditary; Tumor predisposition. Identifiers: Orphanet 140162, MedGen C0027672, MeSH D009386, MONDO:0015356.
Malignant tumor of breast. Also called: Malignant breast neoplasm; Cancer breast. Identifiers: MedGen C0006142, MONDO:0007254. Disease mechanism: loss of function.
Hereditary breast ovarian cancer syndrome. Also called: Hereditary breast and ovarian cancer; Hereditary breast and ovarian cancer syndrome (HBOC); Hereditary breast and/or ovarian cancer syndrome; Breast and ovarian cancer; BRCA1- and BRCA2-Associated Hereditary Breast and Ovarian Cancer; Hereditary breast and ovarian cancer syndrome. Identifiers: Orphanet 145, MedGen C0677776, MeSH D061325, MONDO:0003582. Disease mechanism: loss of function.

Submissions (6):

Color Diagnostics, LLC DBA Color Health
Classification: Uncertain significance for Hereditary cancer-predisposing syndrome. Last evaluated: 2025-11-11. Review status: criteria provided, single submitter. Criteria: ACMG Guidelines, 2015. Collection method: clinical testing. Allele origin: germline.
Comment: This missense variant replaces lysine with glutamic acid at codon 463 of the BRCA1 protein. Computational prediction suggests that this variant may have deleterious impact on protein structure and function. To our knowledge, functional studies have not been reported for this variant. This variant has been reported in cis with BRCA1 c.1390\\\\_1391insG in two hereditary breast and ovarian cancer families (PMID: 11933205). The two in cis variants, c.1387A>G and c.1390\\\\_1391insG, may be described together as 1506del4ins5 or c.1387\\\\_1390delinsGAAAG (ClinVar variation ID: 54234). This variant has not been identified in the general population by the Genome Aggregation Database (gnomAD). The available evidence is insufficient to determine the role of this variant in disease conclusively. Therefore, this variant is classified as a Variant of Uncertain Significance.

Labcorp Genetics (formerly Invitae), Labcorp
Classification: Uncertain significance for Hereditary breast ovarian cancer syndrome. Last evaluated: 2025-06-11. Review status: criteria provided, single submitter. Criteria: Invitae Variant Classification Sherloc (09022015). Collection method: clinical testing. Allele origin: germline.
Comment: This sequence change replaces lysine, which is basic and polar, with glutamic acid, which is acidic and polar, at codon 463 of the BRCA1 protein (p.Lys463Glu). This variant is not present in population databases (gnomAD no frequency). This missense change has been observed in individual(s) with hereditary breast and/or ovarian cancer (PMID: 11933205). This variant is also known as c.1506A>G. ClinVar contains an entry for this variant (Variation ID: 431211). Invitae Evidence Modeling of protein sequence and biophysical properties (such as structural, functional, and spatial information, amino acid conservation, physicochemical variation, residue mobility, and thermodynamic stability) indicates that this missense variant is expected to disrupt BRCA1 protein function with a positive predictive value of 80%. In summary, the available evidence is currently insufficient to determine the role of this variant in disease. Therefore, it has been classified as a Variant of Uncertain Significance.

University of Washington Department of Laboratory Medicine, University of Washington
Classification: Likely benign for Hereditary cancer-predisposing syndrome. Last evaluated: 2023-03-23. Review status: criteria provided, single submitter. Criteria: Dines et al. (Genet Med. 2020). Collection method: curation. Allele origin: germline.
Comment: Missense variant in a coldspot region where missense variants are very unlikely to be pathogenic (PMID:31911673).

BRCA1 coldspot (exon 11 using historical exon numbering). Reclassification based on statistical prior probability

Blueprint Genetics
Classification: Pathogenic for BRCA1-related disorders. Last evaluated: 2022-02-18. Review status: criteria provided, single submitter. Criteria: ACMG Guidelines, 2015. Collection method: clinical testing. Allele origin: germline. Affected: yes. Observed: 3 variant alleles.

Research Molecular Genetics Laboratory, Women's College Hospital, University of Toronto
No classification provided. Last evaluated: 2015-12-17. Review status: no classification provided. Collection method: research. Allele origin: germline. Affected: yes. Study: The Canadian Open Genetics Repository (COGR). Not counted in ClinVar's aggregate classification.

Department of Pathology and Laboratory Medicine, Sinai Health System
Classification: Uncertain significance for Malignant tumor of breast. Review status: no assertion criteria provided. Collection method: clinical testing. Allele origin: unknown. Affected: yes. Study: The Canadian Open Genetics Repository (COGR). Not counted in ClinVar's aggregate classification.
Comment: The BRCA1 p.Lys463Glu variant was identified in the literature in two Canadian families of aboriginal descent with breast and ovarian cancer, both with the same BRCA1 alterations (1510insG, 1506A>G). The variant was identified in ClinVar (classified as uncertain significance by CORG). The variant was not identified in dbSNP, LOVD 3.0, or UMD-LSDB, databases. The variant was not identified in the following control databases: the Exome Aggregation Consortium (August 8th 2016), or the Genome Aggregation Database (Feb 27, 2017). The p.Lys463 residue is conserved in mammals and computational analyses (PolyPhen-2, SIFT, AlignGVGD, BLOSUM, MutationTaster) provide inconsistent predictions regarding the impact to the protein; this information is not very predictive of pathogenicity. The variant occurs outside of the splicing consensus sequence and in silico or computational prediction software programs (SpliceSiteFinder, MaxEntScan, NNSPLICE, GeneSplicer) do not predict a difference in splicing. In summary, based on the above information the clinical significance of this variant cannot be determined with certainty at this time. This variant is classified as a variant of uncertain significance.

Literature cited by the submitters: PubMed 11933205 (cited by Color Diagnostics, LLC DBA Color Health and Labcorp Genetics (formerly Invitae), Labcorp).

NM_007294.4(BRCA1):c.1387A>G (p.Lys463Glu)

Gene: BRCA1 (BRCA1 DNA repair associated; minus strand). Cytogenetic location: 17q21.31.
Variant type: single nucleotide variant.
Coding change: c.1387A>G on transcript NM_007294.4 (MANE Select); coding-DNA position 1387, A replaced by G.
Protein change: p.Lys463Glu; replaces lysine 463 with glutamic acid.
Molecular consequence: missense variant. On other transcripts: intron variant (137).
Genome position (GRCh38, 1-based): chr17:43,094,144, T>C on the plus strand (A>G on the coding strand, the complement: BRCA1 is on the minus strand). VCF-style: chr17-43094144-T-C. GRCh37 (hg19) VCF-style: chr17-41246161-T-C.
Other names: c.1387A>G, p.Lys463Glu (NM_001407581.1, NM_001407582.1, NM_001407583.1 and 30 more transcripts); c.1384A>G, p.Lys462Glu (NM_001407587.1, NM_001407590.1, NM_001407591.1 and 22 more transcripts); c.1378A>G, p.Lys460Glu (NM_001407646.1, NM_001407647.1); c.1264A>G, p.Lys422Glu (NM_001407648.1, NM_001407664.1, NM_001407665.1 and 19 more transcripts); c.1261A>G, p.Lys421Glu (NM_001407649.1, NM_001407670.1, NM_001407671.1 and 11 more transcripts); c.1309A>G, p.Lys437Glu (NM_001407653.1, NM_001407654.1, NM_001407655.1 and 4 more transcripts); c.1306A>G, p.Lys436Glu (NM_001407659.1, NM_001407660.1, NM_001407661.1 and 1 more transcripts); c.1246A>G, p.Lys416Glu (NM_001407692.1, NM_001407694.1, NM_001407695.1 and 29 more transcripts); and 40 more; short protein forms K463E, K416E, K335E, K374E, K396E, K462E, K421E, K437E.
Identifiers: ClinVar variation 431211 (VCV000431211.16), dbSNP rs1135401844, ClinGen allele CA10599270.
Genomic context (GRCh38, chr17:43,094,144, plus strand): 5'-TAATTAGATTTTCAGTTACATGGCTTAAGTTGGGGAGGCTTGCCTTCTTCCGATAGGTTT[T>C]CCCAAATATTTTGTCTTCAATATTACTCTCTACTGATTTGGAGTGAACTCTTTCACTTTT-3'
Protein context (NP_009225.1, residues 453-473): ESNIEDKIFG[Lys463Glu]TYRKKASLPN